The following is an entry in ClinVar:

NM_001040108.2(MLH3):c.615del (p.Asp206fs)

Gene: MLH3 (mutL homolog 3; minus strand). Cytogenetic location: 14q24.3.
Variant type: Deletion.
Coding change: c.615del on transcript NM_001040108.2 (MANE Select); coding-DNA position 615, one base deleted (A; older notation c.615delA).
Protein change: p.Asp206fs; shifts the reading frame from aspartic acid 206.
Molecular consequence: frameshift variant.
Genome position (GRCh38, 1-based): chr14:75,049,041, T deleted on the plus strand (A on the coding strand, the reverse complement: MLH3 is on the minus strand); the first of 3 consecutive T bases (chr14:75,049,041-75,049,043); deleting any one gives the same sequence. VCF-style (leftmost placement, unchanged base first): chr14-75049040-CT-C. GRCh37 (hg19) VCF-style: chr14-75515743-CT-C.
Other names: c.615del, p.Asp206fs (NM_014381.3); short protein forms D206fs.
Identifiers: ClinVar variation 1000354 (VCV001000354.13), dbSNP rs746171271, ClinGen allele CA7276001.

ClinVar aggregate classification (germline): Conflicting classifications of pathogenicity. Review status: criteria provided, conflicting classifications (1 of 4 stars). 4 submissions from 4 submitters: Pathogenic (2); Likely pathogenic (1); Uncertain significance (1). Last evaluated 2026-06-01.

Conditions:
Colorectal cancer, hereditary nonpolyposis, type 7. Identifiers: Orphanet 144, MedGen C1858380, MONDO:0013725, OMIM 614385.
Endometrial carcinoma. Also called: Endometrial carcinoma, somatic. Identifiers: MedGen C0476089, MONDO:0002447, OMIM 608089, HP:0012114.

Submissions (4):

Ambry Genetics
Classification: Pathogenic. Last evaluated: 2026-06-01. Review status: criteria provided, single submitter. Criteria: Ambry Variant Classification Scheme 2023. Collection method: clinical testing. Allele origin: germline.
Comment: The c.615delA pathogenic mutation, located in coding exon 1 of the MLH3 gene, results from a deletion of one nucleotide at nucleotide position 615, causing a translational frameshift with a predicted alternate stop codon (p.D206Tfs*18). This alteration is expected to result in loss of function by premature protein truncation or nonsense-mediated mRNA decay. As such, this alteration is interpreted as a disease-causing mutation.

Medical and Scientific Branch, Hong Kong Genome Institute
Classification: Likely pathogenic for Endometrial carcinoma. Last evaluated: 2026-01-26. Review status: criteria provided, single submitter. Criteria: ACMG Guidelines, 2015. Collection method: clinical testing. Allele origin: unknown. Affected: yes.

Labcorp Genetics (formerly Invitae), Labcorp
Classification: Uncertain significance for Colorectal cancer, hereditary nonpolyposis, type 7. Last evaluated: 2026-01-18. Review status: criteria provided, single submitter. Criteria: Invitae Variant Classification Sherloc (09022015). Collection method: clinical testing. Allele origin: germline.
Comment: This sequence change creates a premature translational stop signal (p.Asp206Thrfs*18) in the MLH3 gene. It is expected to result in an absent or disrupted protein product. However, the current clinical and genetic evidence is not sufficient to establish whether loss-of-function variants in MLH3 cause disease. This variant is present in population databases (rs746171271, gnomAD 0.07%), and has an allele count higher than expected for a pathogenic variant. This premature translational stop signal has been observed in individual(s) with colorectal cancer and/or non-obstructive azoospermia (PMID: 31043711, 32469048). ClinVar contains an entry for this variant (Variation ID: 1000354). In summary, the available evidence is currently insufficient to determine the role of this variant in disease. Therefore, it has been classified as a Variant of Uncertain Significance.

Myriad Genetics, Inc.
Classification: Pathogenic for Colorectal cancer, hereditary nonpolyposis, type 7. Last evaluated: 2025-12-23. Review status: criteria provided, single submitter. Criteria: Myriad Autosomal Dominant, Autosomal Recessive and X-Linked Classification Criteria (2023). Collection method: clinical testing. Allele origin: unknown.
Comment: This variant is considered pathogenic. This variant creates a frameshift predicted to result in premature protein truncation.

Literature cited by the submitters: PubMed 31043711 (cited by Ambry Genetics and Labcorp Genetics (formerly Invitae), Labcorp); PubMed 32469048 (cited by Labcorp Genetics (formerly Invitae), Labcorp).